The following is an entry in ClinVar:

ClinVar aggregate classification (germline): Uncertain significance. Review status: criteria provided, multiple submitters, no conflicts (2 of 4 stars). 2 submissions from 2 submitters: Uncertain significance (2). Last evaluated 2024-05-14.

Conditions:
Inborn genetic diseases. Identifiers: MedGen C0950123, MeSH D030342.
CHARGE syndrome (CHARGE). Also called: Coloboma, heart anomaly, choanal atresia, retardation, genital and ear anomalies; CHARGE association; Hall-Hittner syndrome; Hittner Hirsch Kreh syndrome; CHARGE ASSOCIATION--COLOBOMA, HEART ANOMALY, CHOANAL ATRESIA, RETARDATION, GENITAL AND EAR ANOMALIES. Identifiers: Orphanet 138, MedGen C0265354, MONDO:0008965.

Allele frequency attached by ClinVar (database versions not stated): gnomAD exomes below 0.00001.
gnomAD v4.1: 3 of 1,613,184 alleles (0.00019%); highest among the groups gnomAD compares: Admixed American, 0.0033%; no homozygotes.

Submissions (2):

Ambry Genetics
Classification: Uncertain significance for Inborn genetic diseases. Last evaluated: 2024-05-14. Review status: criteria provided, single submitter. Criteria: Ambry Variant Classification Scheme 2023. Collection method: clinical testing. Allele origin: germline.

Labcorp Genetics (formerly Invitae), Labcorp
Classification: Uncertain significance for CHARGE syndrome. Last evaluated: 2024-05-11. Review status: criteria provided, single submitter. Criteria: Invitae Variant Classification Sherloc (09022015). Collection method: clinical testing. Allele origin: germline.
Comment: This sequence change replaces glutamine, which is neutral and polar, with arginine, which is basic and polar, at codon 168 of the CHD7 protein (p.Gln168Arg). This variant is not present in population databases (gnomAD no frequency). This variant has not been reported in the literature in individuals affected with CHD7-related conditions. ClinVar contains an entry for this variant (Variation ID: 647314). Advanced modeling of protein sequence and biophysical properties (such as structural, functional, and spatial information, amino acid conservation, physicochemical variation, residue mobility, and thermodynamic stability) performed at Invitae indicates that this missense variant is not expected to disrupt CHD7 protein function with a negative predictive value of 95%. In summary, the available evidence is currently insufficient to determine the role of this variant in disease. Therefore, it has been classified as a Variant of Uncertain Significance.

NM_017780.4(CHD7):c.503A>G (p.Gln168Arg)

Gene: CHD7 (chromodomain helicase DNA binding protein 7; plus strand). Cytogenetic location: 8q12.2.
Variant type: single nucleotide variant.
Coding change: c.503A>G on transcript NM_017780.4 (MANE Select); coding-DNA position 503, A replaced by G.
Protein change: p.Gln168Arg; replaces glutamine 168 with arginine.
Molecular consequence: missense variant.
Genome position (GRCh38, 1-based): chr8:60,741,935, A>G. VCF-style: chr8-60741935-A-G. GRCh37 (hg19) VCF-style: chr8-61654494-A-G.
Other names: c.503A>G, p.Gln168Arg (NM_001316690.1); short protein forms Q168R.
Identifiers: ClinVar variation 647314 (VCV000647314.9), dbSNP rs921201693, ClinGen allele CA177312777.